The following is an entry in ClinVar:

NM_024306.5(FA2H):c.460C>T (p.Arg154Cys)

Gene: FA2H (fatty acid 2-hydroxylase; minus strand). Cytogenetic location: 16q23.1.
Variant type: single nucleotide variant.
Coding change: c.460C>T on transcript NM_024306.5 (MANE Select); coding-DNA position 460, C replaced by T.
Protein change: p.Arg154Cys; replaces arginine 154 with cysteine.
Molecular consequence: missense variant.
Genome position (GRCh38, 1-based): chr16:74,727,290, G>A on the plus strand (C>T on the coding strand, the complement: FA2H is on the minus strand). VCF-style: chr16-74727290-G-A. GRCh37 (hg19) VCF-style: chr16-74761188-G-A.
Other names: short protein forms R154C.
Identifiers: ClinVar variation 30872 (VCV000030872.15), dbSNP rs387907040, ClinGen allele CA259930.

ClinVar aggregate classification (germline): Conflicting classifications of pathogenicity. Review status: criteria provided, conflicting classifications (1 of 4 stars). 7 submissions from 7 submitters: Pathogenic (4); Uncertain significance (1). 2 of the submissions do not count toward it. Last evaluated 2025-06-25.

Conditions:
Spastic paraplegia. Identifiers: MedGen C0037772, HP:0001258.
Neurodegeneration with brain iron accumulation (NBIA). Identifiers: Orphanet 385, MedGen C2931845, MONDO:0018307.
Hereditary spastic paraplegia 35. Also called: Spastic paraplegia 35, autosomal recessive; LEUKODYSTROPHY, DYSMYELINATING, AND SPASTIC PARAPARESIS WITH OR WITHOUT DYSTONIA; Spastic paraplegia 35; SPASTIC PARAPLEGIA 35, AUTOSOMAL RECESSIVE, WITH OR WITHOUT NEURODEGENERATION. Identifiers: Orphanet 171629, MedGen C3496228, MONDO:0012866, OMIM 612319.

Allele frequency attached by ClinVar (database versions not stated): ExAC 0.00002; gnomAD 0.00001; gnomAD exomes 0.00002 and 0.00001.

Submissions (7):

3billion
Classification: Pathogenic for Hereditary spastic paraplegia 35. Last evaluated: 2025-06-25. Review status: criteria provided, single submitter. Criteria: ACMG Guidelines, 2015. Collection method: clinical testing. Allele origin: germline. Affected: yes.
Comment: The variant is observed at an extremely low frequency in the gnomAD v4.1.0 dataset (total allele frequency: <0.001%). Predicted Consequence/Location: Missense variant In silico tool predictions suggest damaging effect of the variant on gene or gene product [REVEL: 0.94 (>=0.6, sensitivity 0.68 and specificity 0.92); 3Cnet: 0.84 (> 0.75, sensitivity 0.96 and precision 0.92)]. The same nucleotide change resulting in the same amino acid change has been previously reported as pathogenic/likely pathogenic with strong evidence (ClinVar ID: VCV000030872 /PMID: 20853438). The variant has been reported to be in trans with a pathogenic variant as either compound heterozygous or homozygous in at least one similarly affected unrelated individual (PMID: 27217339). A different missense change at the same codon (p.Arg154His) has been reported to be associated with FA2H-related disorder (ClinVar ID: VCV000834838 /PMID: 36109173). Therefore, this variant is classified as Pathogenic according to the recommendation of ACMG/AMP guideline.

Women's Health and Genetics/Laboratory Corporation of America, LabCorp
Classification: Pathogenic for Neurodegeneration with brain iron accumulation. Last evaluated: 2023-06-16. Review status: criteria provided, single submitter. Criteria: LabCorp Variant Classification Summary - May 2015. Collection method: clinical testing. Allele origin: germline.
Comment: Variant summary: FA2H c.460C>T (p.Arg154Cys) results in a non-conservative amino acid change in the encoded protein sequence. Five of five in-silico tools predict a damaging effect of the variant on protein function. The variant allele was found at a frequency of 2.4e-05 in 251280 control chromosomes. c.460C>T has been reported in the literature in multiple individuals affected with FA2H-related conditions (e.g., Kruer_2010, Rattay_2019, Tsang_2020). These data indicate that the variant is very likely to be associated with disease. At least one publication reports experimental evidence demonstrating reduced levels of protein expression in mutant cells, indicating reduced stability of the mRNA or protein product (Kruer_2010). The following publications have been ascertained in the context of this evaluation (PMID: 20853438, 31135052, 32907636). Three ClinVar submitters have submitted clinical-significance assessments for this variant to ClinVar after 2014. One submitter classified the variant as a variant on uncertain significance, while two submitter classified it as likely pathogenic/pathogenic. Based on the evidence outlined above, the variant was classified as pathogenic.

GeneDx
Classification: Uncertain significance. Last evaluated: 2022-11-17. Review status: criteria provided, single submitter. Criteria: GeneDx Variant Classification Process June 2021. Collection method: clinical testing. Allele origin: germline. Affected: yes.
Comment: In silico analysis, which includes protein predictors and evolutionary conservation, supports a deleterious effect; Not observed at a significant frequency in large population cohorts (gnomAD); This variant is associated with the following publications: (PMID: 29376581, 34758253, 24299421, 20853438, 29423566, 25141825, 31589614, 32907636, 34852264, 31837835, 27217339, 31135052)

Labcorp Genetics (formerly Invitae), Labcorp
Classification: Pathogenic for Spastic paraplegia. Last evaluated: 2022-07-27. Review status: criteria provided, single submitter. Criteria: Invitae Variant Classification Sherloc (09022015). Collection method: clinical testing. Allele origin: germline.
Comment: For these reasons, this variant has been classified as Pathogenic. Studies have shown that this missense change alters FA2H gene expression (PMID: 20853438). Advanced modeling of protein sequence and biophysical properties (such as structural, functional, and spatial information, amino acid conservation, physicochemical variation, residue mobility, and thermodynamic stability) performed at Invitae indicates that this missense variant is expected to disrupt FA2H protein function. ClinVar contains an entry for this variant (Variation ID: 30872). This missense change has been observed in individuals with clinical features of FA2H-related conditions (PMID: 20853438, 27217339, 31135052, 32907636). This variant is present in population databases (rs387907040, gnomAD 0.01%). This sequence change replaces arginine, which is basic and polar, with cysteine, which is neutral and slightly polar, at codon 154 of the FA2H protein (p.Arg154Cys).

Genomic Research Center, Shahid Beheshti University of Medical Sciences
Classification: Pathogenic for Hereditary spastic paraplegia 35. Last evaluated: 2020-05-03. Review status: criteria provided, single submitter. Criteria: ACMG Guidelines, 2015. Collection method: clinical testing. Allele origin: unknown. Affected: yes.

OMIM
Classification: Pathogenic for SPASTIC PARAPLEGIA 35, AUTOSOMAL RECESSIVE. Last evaluated: 2010-11-01. Review status: no assertion criteria provided. Collection method: literature only. Allele origin: germline. Not counted in ClinVar's aggregate classification.

Genomics England Pilot Project, Genomics England
Classification: Likely pathogenic for Hereditary spastic paraplegia 35. Review status: no assertion criteria provided. Criteria: ACGS Guidelines, 2016. Collection method: clinical testing. Allele origin: germline. Affected: yes. Not counted in ClinVar's aggregate classification.

Literature cited by the submitters: PubMed 20853438 (cited by 4 submitters); PubMed 36109173 (cited by 3billion); PubMed 27217339 (cited by 3billion and Labcorp Genetics (formerly Invitae), Labcorp); PubMed 31135052 (cited by Women's Health and Genetics/Laboratory Corporation of America, LabCorp and Labcorp Genetics (formerly Invitae), Labcorp); PubMed 32907636 (cited by Women's Health and Genetics/Laboratory Corporation of America, LabCorp and Labcorp Genetics (formerly Invitae), Labcorp).